The following is an entry in ClinVar:

NM_001039469.3(MARK2):c.1294G>A (p.Ala432Thr)

Gene: MARK2 (microtubule affinity regulating kinase 2; plus strand). Cytogenetic location: 11q13.1.
Variant type: single nucleotide variant.
Coding change: c.1294G>A on transcript NM_001039469.3 (MANE Select); coding-DNA position 1294, G replaced by A.
Protein change: p.Ala432Thr; replaces alanine 432 with threonine.
Molecular consequence: missense variant.
Genome position (GRCh38, 1-based): chr11:63,902,660, G>A. VCF-style: chr11-63902660-G-A. GRCh37 (hg19) VCF-style: chr11-63670132-G-A.
Other names: c.1291G>A, p.Ala431Thr (NM_001039468.1, NM_001163297.2, NM_004954.5); c.1294G>A, p.Ala432Thr (NM_001163296.2); c.1192G>A, p.Ala398Thr (NM_017490.4); short protein forms A432T, A431T, A398T.
Identifiers: ClinVar variation 2379070 (VCV002379070.5), dbSNP rs538928060, ClinGen allele CA6065636.

ClinVar aggregate classification (germline): Uncertain significance. Review status: criteria provided, multiple submitters, no conflicts (2 of 4 stars). 2 submissions from 2 submitters: Uncertain significance (2). Last evaluated 2026-01-17.

Conditions:
Intellectual developmental disorder, autosomal dominant 76. Identifiers: MedGen C6012756, MONDO:0979575, OMIM 621285.

Allele frequency attached by ClinVar (database versions not stated): 1000 Genomes Project 30x 0.00016; 1000 Genomes Project 0.00020; gnomAD 0.00003; TOPMed 0.00004.
gnomAD v4.1: 77 of 1,614,130 alleles (0.0048%); highest among the groups gnomAD compares: Non-Finnish European, 0.0059%; no homozygotes.

Submissions (2):

Dasa
Classification: Uncertain significance for Intellectual developmental disorder, autosomal dominant 76. Last evaluated: 2026-01-17. Review status: criteria provided, single submitter. Criteria: DASA Assertion Criteria. Collection method: clinical testing. Allele origin: germline.
Comment: NM_001039469.3(MARK2):c.1294G>A (p.Ala432Thr) is a missense variant that results in the substitution of alanine with threonine. This variant is rare in population databases. Computational prediction algorithms are consistent with a benign effect. The currently available literature and clinical evidence are not sufficient to establish a definitive association between this variant and the reported condition. Therefore, this variant is classified as a variant of uncertain significance.

Ambry Genetics
Classification: Uncertain significance. Last evaluated: 2025-02-19. Review status: criteria provided, single submitter. Criteria: Ambry Variant Classification Scheme 2023. Collection method: clinical testing. Allele origin: germline.